The following is an entry in ClinVar:

ClinVar aggregate classification (germline): Conflicting classifications of pathogenicity. Review status: criteria provided, conflicting classifications (1 of 4 stars). 13 submissions from 13 submitters: Uncertain significance (7); Likely benign (3). 3 of the submissions do not count toward it. Last evaluated 2026-03-17.

Conditions:
Cancer or benign tumor. Also called: Cell proliferation disorder. Identifiers: MedGen CN377727, MONDO:0045024.
BRCA2-related disorder. Also called: BRCA2-related condition; BRCA2-related disorders. Identifiers: MedGen CN239275.
Hereditary cancer-predisposing syndrome. Also called: Hereditary neoplastic syndrome; Neoplastic Syndromes, Hereditary; Hereditary Cancer Syndrome; Tumor predisposition. Identifiers: Orphanet 140162, MedGen C0027672, MeSH D009386, MONDO:0015356.
Hereditary breast ovarian cancer syndrome. Also called: Hereditary breast and ovarian cancer syndrome (HBOC); Breast and ovarian cancer; Hereditary breast and ovarian cancer syndrome; BRCA1- and BRCA2-Associated Hereditary Breast and Ovarian Cancer; Hereditary breast and/or ovarian cancer syndrome; Hereditary breast and ovarian cancer. Identifiers: Orphanet 145, MedGen C0677776, MeSH D061325, MONDO:0003582. Disease mechanism: loss of function.
Breast-ovarian cancer, familial, susceptibility to, 2 (BROVCA2). Also called: BRCA2 Hereditary Breast and Ovarian Cancer. Identifiers: Orphanet 145, MedGen C2675520, MONDO:0012933, OMIM 612555. Disease mechanism: loss of function.
Familial cancer of breast. Also called: BREAST CANCER, FAMILIAL; hereditary breast carcinoma; Hereditary breast cancer. Identifiers: Orphanet 227535, MedGen C0346153, MONDO:0016419, OMIM 114480. Disease mechanism: loss of function.

gnomAD v4.1: 5 of 1,612,534 alleles (0.00031%); highest among the groups gnomAD compares: African/African-American, 0.004%; no homozygotes.

Submissions (13):

Women's Health and Genetics/Laboratory Corporation of America, LabCorp
Classification: Uncertain significance. Last evaluated: 2026-03-17. Review status: criteria provided, single submitter. Criteria: LabCorp Variant Classification Summary - May 2015. Collection method: clinical testing. Allele origin: germline.
Comment: Variant summary: BRCA2 c.8324T>C (p.Met2775Thr) results in a non-conservative amino acid change located in the BRCA2, OB1 domain of the encoded protein sequence. Algorithms developed to predict the effect of missense changes on protein structure and function all suggest that this variant is likely to be disruptive. The variant was absent in 247808 control chromosomes. The available data on variant occurrences in the general population are insufficient to allow any conclusion about variant significance. c.8324T>C has been observed in at least one individual with prostate cancer and at least one individual with triple-negative breast cancer (example: Momozawa_2020, Shohdy_2025). These reports do not provide unequivocal conclusions about association of the variant with Hereditary Breast And Ovarian Cancer Syndrome. To our knowledge, no experimental evidence demonstrating an impact on protein function has been reported. The following publications have been ascertained in the context of this evaluation (PMID: 31294896, 19043619, 31112341, 40714512, 31214711). ClinVar contains an entry for this variant (Variation ID: 52546). Based on the evidence outlined above, the variant was classified as uncertain significance.

Labcorp Genetics (formerly Invitae), Labcorp
Classification: Likely benign for Hereditary breast ovarian cancer syndrome. Last evaluated: 2026-01-19. Review status: criteria provided, single submitter. Criteria: Invitae Variant Classification Sherloc (09022015). Collection method: clinical testing. Allele origin: germline.

Color Diagnostics, LLC DBA Color Health
Classification: Uncertain significance for Hereditary cancer-predisposing syndrome. Last evaluated: 2025-08-13. Review status: criteria provided, single submitter. Criteria: ACMG Guidelines, 2015. Collection method: clinical testing. Allele origin: germline.
Comment: This missense variant replaces methionine with threonine at codon 2775 of the BRCA2 protein. Computational prediction is inconclusive regarding the impact of this variant on protein structure and function. Functional studies have reported that this variant does not impact BRCA2 in a haploid cell proliferation assay and in sensitivity assays to cisplatin and a PARP inhibitor (PMID: 39779848, 39779857). This variant has been reported in a prostate cancer case-control study in 1/7636 cases and absent in 12366 unaffected control individuals (PMID: 31214711). A multifactorial analysis has reached a combined likelihood ratio (LR) of 2.711 based on reported LR for co-occurrence with a pathogenic variant and personal and family history for 3 carriers (PMID: 31853058). This variant has been identified in 3/31408 chromosomes in the general population by the Genome Aggregation Database (gnomAD). The available evidence is insufficient to determine the role of this variant in disease conclusively. Therefore, this variant is classified as a Variant of Uncertain Significance.

Ambry Genetics
Classification: Likely benign for Hereditary cancer-predisposing syndrome. Last evaluated: 2025-04-01. Review status: criteria provided, single submitter. Criteria: Ambry Variant Classification Scheme 2023. Collection method: clinical testing. Allele origin: germline.

Quest Diagnostics Nichols Institute San Juan Capistrano
Classification: Uncertain significance. Last evaluated: 2024-06-27. Review status: criteria provided, single submitter. Criteria: Quest Diagnostics criteria. Collection method: clinical testing. Allele origin: unknown.
Comment: The BRCA2 c.8324T>C (p.Met2775Thr) variant has been reported in the published literature in individuals with prostate cancer (PMID: 31214711 (2020)) and breast cancer (PMID: 32039725 (2020)). The frequency of this variant in the general population, 0.00034 (3/8716 chromosomes (Genome Aggregation Database)), is uninformative in the assessment of its pathogenicity. Analysis of this variant using bioinformatics tools for the prediction of the effect of amino acid changes on protein structure and function yielded predictions that this variant is damaging. Based on the available information, we are unable to determine the clinical significance of this variant.

Baylor Genetics
Classification: Uncertain significance for Familial cancer of breast. Last evaluated: 2023-11-03. Review status: criteria provided, single submitter. Criteria: ACMG Guidelines, 2015. Collection method: clinical testing. Allele origin: unknown.

PreventionGenetics, part of Exact Sciences
Classification: Uncertain significance for BRCA2-related condition. Last evaluated: 2023-06-20. Review status: criteria provided, single submitter. Criteria: ACMG Guidelines, 2015. Collection method: clinical testing. Allele origin: germline.
Comment: The BRCA2 c.8324T>C variant is predicted to result in the amino acid substitution p.Met2775Thr. To our knowledge, this variant has not been reported in the literature. This variant is reported in 0.034% of alleles in individuals of African descent in gnomAD and has conflicting interpretations of likely benign and uncertain in ClinVar. At this time, the clinical significance of this variant is uncertain due to the absence of conclusive functional and genetic evidence.

All of Us Research Program, National Institutes of Health
Classification: Uncertain significance for Breast-ovarian cancer, familial, susceptibility to, 2. Last evaluated: 2023-05-16. Review status: criteria provided, single submitter. Criteria: ACMG Guidelines, 2015. Collection method: clinical testing. Allele origin: germline. Inheritance: Autosomal dominant inheritance. Observed: 1 variant allele, 1 heterozygote.
Comment: This missense variant replaces methionine with threonine at codon 2775 of the BRCA2 protein. Computational prediction is inconclusive regarding the impact of this variant on protein structure and function (internally defined REVEL score threshold 0.5 < inconclusive < 0.7, PMID: 27666373). To our knowledge, functional studies have not been reported for this variant. This variant has been reported in an individual affected with prostate cancer (PMID: 31214711). This variant has been identified in 3/31408 chromosomes in the general population by the Genome Aggregation Database (gnomAD). The available evidence is insufficient to determine the role of this variant in disease conclusively. Therefore, this variant is classified as a Variant of Uncertain Significance.

This study involves interpretation of variants in research participants for the purpose of population health screening. Participant phenotype was not available at the time of variant classification. Additional details can be found in publication PMID: 35346344, PMCID: PMC8962531

Cambridge Genomics Laboratory, East Genomic Laboratory Hub, NHS Genomic Medicine Service
Classification: Uncertain significance for Cancer or benign tumor. Last evaluated: 2020-01-10. Review status: criteria provided, single submitter. Criteria: ACGS Best Practice Guidelines for Variant Classification in Rare Disease 2020. Collection method: clinical testing. Allele origin: germline. Affected: yes. Observed: 1 variant allele.

GeneDx
Classification: Likely benign. Last evaluated: 2019-07-05. Review status: criteria provided, single submitter. Criteria: GeneDx Variant Classification Process June 2021. Collection method: clinical testing. Allele origin: germline. Affected: yes.
Comment: In silico analysis, which includes protein predictors and evolutionary conservation, supports that this variant does not alter protein structure/function; This variant is associated with the following publications: (PMID: 10923033, 19043619)

Department of Medical and Surgical Sciences, University of Bologna
Classification: Uncertain significance for Breast-ovarian cancer, familial, susceptibility to, 2. Last evaluated: 2023-09-01. Review status: no assertion criteria provided. Collection method: clinical testing. Allele origin: germline. Affected: yes. Not counted in ClinVar's aggregate classification.
Comment: BP4(Supporting) according to ACMG/AMP classification guidelines specified for BRCA1 & BRCA2 (Classification Criteria V1.0.0 2023-09-08) (PMID: 38160042)

Counsyl
Classification: Uncertain significance for Breast-ovarian cancer, familial, susceptibility to, 2. Last evaluated: 2017-08-25. Review status: no assertion criteria provided. Collection method: clinical testing. Allele origin: unknown. Not counted in ClinVar's aggregate classification.

Breast Cancer Information Core (BIC) (BRCA2)
Classification: Uncertain significance for Breast-ovarian cancer, familial 2. Last evaluated: 2002-06-20. Review status: no assertion criteria provided. Collection method: clinical testing. Allele origin: germline. Affected: yes. Observed: 2 variant alleles. Not counted in ClinVar's aggregate classification.

Literature cited by the submitters: PubMed 19043619 (cited by 3 submitters); PubMed 31214711 (cited by 4 submitters); PubMed 31112341 (cited by Women's Health and Genetics/Laboratory Corporation of America, LabCorp); PubMed 31294896 (cited by Women's Health and Genetics/Laboratory Corporation of America, LabCorp); PubMed 40714512 (cited by Women's Health and Genetics/Laboratory Corporation of America, LabCorp); PubMed 31853058 (cited by Color Diagnostics, LLC DBA Color Health); PubMed 39779848 (cited by Color Diagnostics, LLC DBA Color Health and Ambry Genetics); PubMed 39779857 (cited by Color Diagnostics, LLC DBA Color Health and Ambry Genetics); PubMed 32039725 (cited by Quest Diagnostics Nichols Institute San Juan Capistrano).

NM_000059.4(BRCA2):c.8324T>C (p.Met2775Thr)

Gene: BRCA2 (BRCA2 DNA repair associated; plus strand). Cytogenetic location: 13q13.1.
Variant type: single nucleotide variant.
Coding change: c.8324T>C on transcript NM_000059.4 (MANE Select); coding-DNA position 8324, T replaced by C.
Protein change: p.Met2775Thr; replaces methionine 2775 with threonine.
Molecular consequence: missense variant.
Genome position (GRCh38, 1-based): chr13:32,363,526, T>C. VCF-style: chr13-32363526-T-C. GRCh37 (hg19) VCF-style: chr13-32937663-T-C.
Other names: short protein forms M2775T.
Identifiers: ClinVar variation 52546 (VCV000052546.40), dbSNP rs80359073, ClinGen allele CA025573.